The following is an entry in ClinVar:

NM_001267550.2(TTN):c.7530A>G (p.Ser2510=)

Gene: TTN (titin; minus strand). Cytogenetic location: 2q31.2.
Variant type: single nucleotide variant.
Coding change: c.7530A>G on transcript NM_001267550.2 (MANE Select); coding-DNA position 7530, A replaced by G.
Protein change: p.Ser2510=; no amino-acid change (serine 2510 retained).
Molecular consequence: synonymous variant.
Genome position (GRCh38, 1-based): chr2:178,773,526, T>C on the plus strand (A>G on the coding strand, the complement: TTN is on the minus strand). VCF-style: chr2-178773526-T-C. GRCh37 (hg19) VCF-style: chr2-179638253-T-C.
Other names: c.7530A>G, p.Ser2510= (NM_001256850.1, NM_133379.5, NM_133378.4); c.7392A>G, p.Ser2464= (NM_003319.4, NM_133432.3, NM_133437.4).
Identifiers: ClinVar variation 228153 (VCV000228153.31), dbSNP rs189187431, ClinGen allele CA2004796.

ClinVar aggregate classification (germline): Benign/Likely benign. Review status: criteria provided, multiple submitters, no conflicts (2 of 4 stars). 13 submissions from 10 submitters: Benign (5); Likely benign (5). 3 of the submissions do not count toward it. Last evaluated 2026-01-25.

Conditions:
Autosomal recessive limb-girdle muscular dystrophy type 2J (LGMDR10). Also called: Limb-girdle muscular dystrophy, type 2J; MUSCULAR DYSTROPHY, LIMB-GIRDLE, AUTOSOMAL RECESSIVE 10. Identifiers: Orphanet 140922, MedGen C1837342, MONDO:0012127, OMIM 608807.
Dilated cardiomyopathy 1G (CMD1G). Identifiers: Orphanet 154, MedGen C1858763, MONDO:0011400, OMIM 604145.
Cardiovascular phenotype. Identifiers: MedGen CN230736.
Early-onset myopathy with fatal cardiomyopathy (CMYO5). Also called: CONGENITAL MYOPATHY 5 WITH CARDIOMYOPATHY; Salih Myopathy. Identifiers: Orphanet 289377, MedGen C2673677, MONDO:0012714, OMIM 611705. Disease mechanism: loss of function.
Tibial muscular dystrophy (TMD). Also called: Udd Distal Myopathy – Tibial Muscular Dystrophy; Tibial muscular dystrophy, tardive; UDD MYOPATHY. Identifiers: Orphanet 609, MedGen C1838244, MONDO:0010870, OMIM 600334.
Myopathy, myofibrillar, 9, with early respiratory failure (MFM9). Also called: Hereditary myopathy with early respiratory failure; EDSTROM MYOPATHY; Myopathy, distal, with early respiratory failure, autosomal dominant; MYOPATHY, PROXIMAL, WITH EARLY RESPIRATORY MUSCLE INVOLVEMENT. Identifiers: Orphanet 178464, Orphanet 34521, MedGen C1863599, MONDO:0011362, OMIM 603689.

Allele frequency attached by ClinVar (database versions not stated): gnomAD 0.00001 and 0.00005; gnomAD exomes 0.00006 and 0.00020; TOPMed 0.00007; ExAC 0.00023; 1000 Genomes Project 0.00040; 1000 Genomes Project 30x 0.00047.
gnomAD v4.1: 113 of 1,614,096 alleles (0.007%); highest among the groups gnomAD compares: East Asian, 0.13%; no homozygotes.

Submissions (13):

Labcorp Genetics (formerly Invitae), Labcorp
Classification: Benign for Dilated cardiomyopathy 1G; Autosomal recessive limb-girdle muscular dystrophy type 2J. Last evaluated: 2026-01-25. Review status: criteria provided, single submitter. Criteria: Invitae Variant Classification Sherloc (09022015). Collection method: clinical testing. Allele origin: germline.

Blueprint Genetics
Classification: Likely benign. Last evaluated: 2024-03-19. Review status: criteria provided, single submitter. Criteria: ACMG Guidelines, 2015. Collection method: clinical testing. Allele origin: germline.

Women's Health and Genetics/Laboratory Corporation of America, LabCorp
Classification: Likely benign. Last evaluated: 2023-05-15. Review status: criteria provided, single submitter. Criteria: LabCorp Variant Classification Summary - May 2015. Collection method: clinical testing. Allele origin: germline.

Genome-Nilou Lab
Classification: Benign for Autosomal recessive limb-girdle muscular dystrophy type 2J. Last evaluated: 2021-09-10. Review status: criteria provided, single submitter. Criteria: ACMG Guidelines, 2015. Collection method: clinical testing. Allele origin: germline. Affected: no.

Genome-Nilou Lab
Classification: Benign for Myopathy, myofibrillar, 9, with early respiratory failure. Last evaluated: 2021-09-10. Review status: criteria provided, single submitter. Criteria: ACMG Guidelines, 2015. Collection method: clinical testing. Allele origin: germline. Affected: no.

Genome-Nilou Lab
Classification: Benign for Early-onset myopathy with fatal cardiomyopathy. Last evaluated: 2021-09-10. Review status: criteria provided, single submitter. Criteria: ACMG Guidelines, 2015. Collection method: clinical testing. Allele origin: germline. Affected: no.

Genome-Nilou Lab
Classification: Benign for Tibial muscular dystrophy. Last evaluated: 2021-09-10. Review status: criteria provided, single submitter. Criteria: ACMG Guidelines, 2015. Collection method: clinical testing. Allele origin: germline. Affected: no.

GeneDx
Classification: Likely benign. Last evaluated: 2020-03-10. Review status: criteria provided, single submitter. Criteria: GeneDx Variant Classification Process June 2021. Collection method: clinical testing. Allele origin: germline. Affected: yes.

Ambry Genetics
Classification: Likely benign for Cardiovascular phenotype. Last evaluated: 2019-11-11. Review status: criteria provided, single submitter. Criteria: Ambry Variant Classification Scheme 2023. Collection method: clinical testing. Allele origin: germline.

Laboratory for Molecular Medicine, Mass General Brigham Personalized Medicine
Classification: Likely benign. Last evaluated: 2015-06-23. Review status: criteria provided, single submitter. Criteria: LMM Criteria. Collection method: clinical testing. Allele origin: germline. Observed: 1 variant allele.
Comment: p.Ser2510Ser in exon 32 of TTN: This variant is not expected to have clinical si gnificance because it does not alter an amino acid residue and is not located wi thin the splice consensus sequence. It has been identified in 0.2% (20/8580) of East Asian chromosomes by the Exome Aggregation Consortium (ExAC; dbSNP rs189187431).

Clinical Genetics, Academic Medical Center
Classification: Benign. Review status: no assertion criteria provided. Collection method: clinical testing. Allele origin: germline. Affected: yes. Study: VKGL Data-share Consensus. Not counted in ClinVar's aggregate classification.

Genome Diagnostics Laboratory, University Medical Center Utrecht
Classification: Likely benign. Review status: no assertion criteria provided. Collection method: clinical testing. Allele origin: germline. Affected: yes. Study: VKGL Data-share Consensus. Not counted in ClinVar's aggregate classification.

Joint Genome Diagnostic Labs from Nijmegen and Maastricht, Radboudumc and MUMC+
Classification: Likely benign. Review status: no assertion criteria provided. Collection method: clinical testing. Allele origin: germline. Affected: yes. Study: VKGL Data-share Consensus. Not counted in ClinVar's aggregate classification.